The following is an entry in ClinVar:

ClinVar aggregate classification (germline): Pathogenic/Likely pathogenic. Review status: criteria provided, multiple submitters, no conflicts (2 of 4 stars). 4 submissions from 4 submitters: Pathogenic (1); Likely pathogenic (2). 1 of the submissions does not count toward it. Last evaluated 2025-12-31.

Conditions:
Familial porphyria cutanea tarda (PCT). Also called: PCT, TYPE II; PORPHYRIA CUTANEA TARDA, TYPE II; PORPHYRIA, HEPATOCUTANEOUS TYPE; UROD DEFICIENCY; UROPORPHYRINOGEN DECARBOXYLASE DEFICIENCY; PCT, ''FAMILIAL'' TYPE. Identifiers: Orphanet 101330, Orphanet 443062, MedGen C0268323, MONDO:0008296, OMIM 176100.
UROD-related disorder. Also called: UROD-related condition; UROD-related disorders.

Allele frequency attached by ClinVar (database versions not stated): ExAC 0.00001; gnomAD exomes 0.00001; TOPMed 0.00001.
gnomAD v4.1: 21 of 1,614,178 alleles (0.0013%); highest among the groups gnomAD compares: Non-Finnish European, 0.0016%; no homozygotes.

Submissions (4):

Labcorp Genetics (formerly Invitae), Labcorp
Classification: Pathogenic. Last evaluated: 2025-12-31. Review status: criteria provided, single submitter. Criteria: Invitae Variant Classification Sherloc (09022015). Collection method: clinical testing. Allele origin: germline.
Comment: This sequence change replaces phenylalanine, which is neutral and non-polar, with leucine, which is neutral and non-polar, at codon 46 of the UROD protein (p.Phe46Leu). This variant is present in population databases (rs769378741, gnomAD 0.003%). This missense change has been observed in individual(s) with UROD-related conditions (PMID: 12071824, 15491440, 19419417). ClinVar contains an entry for this variant (Variation ID: 1325337). Invitae Evidence Modeling of protein sequence and biophysical properties (such as structural, functional, and spatial information, amino acid conservation, physicochemical variation, residue mobility, and thermodynamic stability) has been performed for this missense variant. However, the output from this modeling did not meet the statistical confidence thresholds required to predict the impact of this variant on UROD protein function. Experimental studies have shown that this missense change affects UROD function (PMID: 12071824). For these reasons, this variant has been classified as Pathogenic.

Revvity Omics, Revvity
Classification: Likely pathogenic for Familial porphyria cutanea tarda. Last evaluated: 2021-10-06. Review status: criteria provided, single submitter. Criteria: ACMG Guidelines, 2015. Collection method: clinical testing. Allele origin: germline.

Blueprint Genetics
Classification: Likely pathogenic for UROD-related disorders. Last evaluated: 2021-06-28. Review status: criteria provided, single submitter. Criteria: ACMG Guidelines, 2015. Collection method: clinical testing. Allele origin: germline. Affected: yes. Observed: 2 variant alleles.

PreventionGenetics, part of Exact Sciences
Classification: Likely pathogenic for UROD-related condition. Last evaluated: 2024-02-01. Review status: no assertion criteria provided. Collection method: clinical testing. Allele origin: germline. Not counted in ClinVar's aggregate classification.
Comment: The UROD c.138T>A variant is predicted to result in the amino acid substitution p.Phe46Leu. This variant has been reported in the homozygous and apparently homozygous state in two unrelated individuals with mild presentations of hepatoerythropoietic porphyria (Ged C et al. 2002. PubMed ID: 12071824; Armstrong DK et al. 2004. PubMed ID: 15491440). In one individual, carrier testing in parents was not performed. This variant is reported in 0.0029% of alleles in individuals of Latino descent in gnomAD. This variant is interpreted as likely pathogenic.

Literature cited by the submitters: PubMed 12071824 (cited by Labcorp Genetics (formerly Invitae), Labcorp); PubMed 15491440 (cited by Labcorp Genetics (formerly Invitae), Labcorp); PubMed 19419417 (cited by Labcorp Genetics (formerly Invitae), Labcorp).

NM_000374.5(UROD):c.138T>A (p.Phe46Leu)

Gene: UROD (uroporphyrinogen decarboxylase; plus strand). Cytogenetic location: 1p34.1.
Variant type: single nucleotide variant.
Coding change: c.138T>A on transcript NM_000374.5 (MANE Select); coding-DNA position 138, T replaced by A.
Protein change: p.Phe46Leu; replaces phenylalanine 46 with leucine.
Molecular consequence: missense variant. On other transcripts: non-coding transcript variant (3).
Genome position (GRCh38, 1-based): chr1:45,013,140, T>A. VCF-style: chr1-45013140-T-A. GRCh37 (hg19) VCF-style: chr1-45478812-T-A.
Other names: c.138T>A (NM_000374.4); short protein forms F46L.
Identifiers: ClinVar variation 1325337 (VCV001325337.9), dbSNP rs769378741, ClinGen allele CA825152.